The following is an entry in ClinVar:

NM_001367561.1(DOCK7):c.6165C>G (p.Phe2055Leu)

Gene: DOCK7 (dedicator of cytokinesis 7; minus strand). Cytogenetic location: 1p31.3.
Variant type: single nucleotide variant.
Coding change: c.6165C>G on transcript NM_001367561.1 (MANE Select); coding-DNA position 6165, C replaced by G.
Protein change: p.Phe2055Leu; replaces phenylalanine 2055 with leucine.
Molecular consequence: missense variant.
Genome position (GRCh38, 1-based): chr1:62,474,029, G>C on the plus strand (C>G on the coding strand, the complement: DOCK7 is on the minus strand). VCF-style: chr1-62474029-G-C. GRCh37 (hg19) VCF-style: chr1-62939700-G-C.
Other names: c.6132C>G, p.Phe2044Leu (NM_001271999.2); c.6045C>G, p.Phe2015Leu (NM_001272000.2); c.6039C>G, p.Phe2013Leu (NM_001272001.2); c.6138C>G, p.Phe2046Leu (NM_001330614.2); c.6072C>G, p.Phe2024Leu (NM_033407.4); short protein forms F2024L, F2044L, F2055L, F2046L, F2013L, F2015L.
Identifiers: ClinVar variation 939475 (VCV000939475.10), dbSNP rs1645904225, ClinGen allele CA340601655.
Genomic context (GRCh38, chr1:62,474,029, plus strand): 5'-AAGCCTTGAATACCTTTTAGTAAAATCTTTAAAGCAGAGTCGCAGTTTATTATGATGTCT[G>C]AAGAGCTTTGGGTCACTAGGTATTTCAGACAGAAAAACCTGGGCAACTTCCAAAGGCCCC-3'
Protein context (NP_001354490.1, residues 2045-2065): LSEIPSDPKL[Phe2055Leu]RHHNKLRLCF

ClinVar aggregate classification (germline): Uncertain significance (1 of 4 stars; one submission).

Conditions:
Developmental and epileptic encephalopathy, 23 (DEE23). Also called: Epileptic encephalopathy, early infantile, 23. Identifiers: Orphanet 411986, MedGen C4014492, MONDO:0014371, OMIM 615859.

Submission:

Labcorp Genetics (formerly Invitae), Labcorp
Classification: Uncertain significance for Developmental and epileptic encephalopathy, 23. Last evaluated: 2019-07-16. Review status: criteria provided, single submitter. Criteria: Invitae Variant Classification Sherloc (09022015). Collection method: clinical testing. Allele origin: germline.
Comment: This variant is not present in population databases (ExAC no frequency). This variant has not been reported in the literature in individuals with DOCK7-related conditions. Algorithms developed to predict the effect of missense changes on protein structure and function (SIFT, PolyPhen-2, Align-GVGD) all suggest that this variant is likely to be tolerated, but these predictions have not been confirmed by published functional studies and their clinical significance is uncertain. In summary, the available evidence is currently insufficient to determine the role of this variant in disease. Therefore, it has been classified as a Variant of Uncertain Significance. This sequence change replaces phenylalanine with leucine at codon 2044 of the DOCK7 protein (p.Phe2044Leu). The phenylalanine residue is moderately conserved and there is a small physicochemical difference between phenylalanine and leucine.